The following is an entry in ClinVar:

NM_004006.3(DMD):c.5086A>T (p.Ile1696Phe)

Gene: DMD (dystrophin; minus strand). Cytogenetic location: Xp21.1.
Variant type: single nucleotide variant.
Coding change: c.5086A>T on transcript NM_004006.3 (MANE Select); coding-DNA position 5086, A replaced by T.
Protein change: p.Ile1696Phe; replaces isoleucine 1696 with phenylalanine.
Molecular consequence: missense variant.
Genome position (GRCh38, 1-based): chrX:32,364,650, T>A on the plus strand (A>T on the coding strand, the complement: DMD is on the minus strand). VCF-style: chrX-32364650-T-A. GRCh37 (hg19) VCF-style: chrX-32382767-T-A.
Other names: c.5062A>T, p.Ile1688Phe (NM_000109.4); c.5074A>T, p.Ile1692Phe (NM_004009.3); c.4717A>T, p.Ile1573Phe (NM_004010.3); c.1063A>T, p.Ile355Phe (NM_004011.4); c.1054A>T, p.Ile352Phe (NM_004012.4); short protein forms I352F, I1692F, I355F, I1688F, I1573F, I1696F.
Identifiers: ClinVar variation 2166855 (VCV002166855.3), dbSNP rs946133697, ClinGen allele CA327995224.

ClinVar aggregate classification (germline): Uncertain significance (1 of 4 stars; one submission).

Conditions:
Duchenne muscular dystrophy (DMD). Also called: MUSCULAR DYSTROPHY, PSEUDOHYPERTROPHIC PROGRESSIVE, DUCHENNE TYPE; Duchenne Muscular Dystrophy (DMD). Identifiers: Orphanet 98896, MedGen C0013264, MONDO:0010679, OMIM 310200.

Allele frequency attached by ClinVar (database versions not stated): gnomAD exomes below 0.00001; TOPMed 0.00001.
gnomAD v4.1: 1 of 1,210,324 alleles (0.000083%); highest among the groups gnomAD compares: Admixed American, 0.0022%; no homozygotes.

Submission:

Labcorp Genetics (formerly Invitae), Labcorp
Classification: Uncertain significance for Duchenne muscular dystrophy. Last evaluated: 2025-06-23. Review status: criteria provided, single submitter. Criteria: Invitae Variant Classification Sherloc (09022015). Collection method: clinical testing. Allele origin: germline.
Comment: This sequence change replaces isoleucine, which is neutral and non-polar, with phenylalanine, which is neutral and non-polar, at codon 1696 of the DMD protein (p.Ile1696Phe). This variant is present in population databases (no rsID available, gnomAD 0.004%). This variant has not been reported in the literature in individuals affected with DMD-related conditions. ClinVar contains an entry for this variant (Variation ID: 2166855). Invitae Evidence Modeling of protein sequence and biophysical properties (such as structural, functional, and spatial information, amino acid conservation, physicochemical variation, residue mobility, and thermodynamic stability) indicates that this missense variant is not expected to disrupt DMD protein function with a negative predictive value of 95%. In summary, the available evidence is currently insufficient to determine the role of this variant in disease. Therefore, it has been classified as a Variant of Uncertain Significance.